The following is an entry in ClinVar:

ClinVar aggregate classification (germline): Uncertain significance (1 of 4 stars; one submission).

Submission:

GeneDx
Classification: Uncertain significance. Last evaluated: 2025-10-09. Review status: criteria provided, single submitter. Criteria: GeneDx Variant Classification Process June 2021. Collection method: clinical testing. Allele origin: germline. Affected: yes.
Comment: Not observed at significant frequency in large population cohorts (gnomAD); In silico analysis supports that this missense variant has a deleterious effect on protein structure/function; Has not been previously published as pathogenic or benign to our knowledge

NM_145331.3(MAP3K7):c.1508T>G (p.Leu503Arg)

Gene: MAP3K7 (mitogen-activated protein kinase kinase kinase 7; minus strand). Cytogenetic location: 6q15.
Variant type: single nucleotide variant.
Coding change: c.1508T>G on transcript NM_145331.3 (MANE Select); coding-DNA position 1508, T replaced by G.
Protein change: p.Leu503Arg; replaces leucine 503 with arginine.
Molecular consequence: missense variant.
Genome position (GRCh38, 1-based): chr6:90,519,274, A>C on the plus strand (T>G on the coding strand, the complement: MAP3K7 is on the minus strand). VCF-style: chr6-90519274-A-C. GRCh37 (hg19) VCF-style: chr6-91228993-A-C.
Other names: c.1427T>G, p.Leu476Arg (NM_003188.4, NM_145333.3); c.1508T>G, p.Leu503Arg (NM_145332.3); short protein forms L476R, L503R.
Identifiers: ClinVar variation 3373762 (VCV003373762.2).